The following is an entry in ClinVar:

ClinVar aggregate classification (germline): Pathogenic/Likely pathogenic. Review status: criteria provided, multiple submitters, no conflicts (2 of 4 stars). 3 submissions from 3 submitters: Pathogenic (2); Likely pathogenic (1). Last evaluated 2020-09-10.

Conditions:
CAPN1-related disorder. Also called: CAPN1-related condition.
Autosomal recessive spastic paraplegia type 76. Identifiers: Orphanet 488594, MedGen C5567483, MONDO:0014827, OMIM 616907.

Allele frequency attached by ClinVar (database versions not stated): ExAC 0.00001; gnomAD exomes 0.00001.
gnomAD v4.1: 12 of 1,609,708 alleles (0.00075%); highest among the groups gnomAD compares: South Asian, 0.013%; no homozygotes.

Submissions (3):

Blueprint Genetics
Classification: Likely pathogenic for CAPN1-related disorders. Last evaluated: 2020-09-10. Review status: criteria provided, single submitter. Criteria: ACMG Guidelines, 2015. Collection method: clinical testing. Allele origin: germline. Affected: yes. Observed: 5 variant alleles.

Genetic Services Laboratory, University of Chicago
Classification: Pathogenic. Last evaluated: 2018-03-28. Review status: criteria provided, single submitter. Criteria: ACMG Guidelines, 2015. Collection method: clinical testing. Allele origin: germline. Affected: yes.

Lifecell International Pvt. Ltd
Classification: Pathogenic for Autosomal recessive spastic paraplegia type 76. Review status: criteria provided, single submitter. Criteria: ACMG Guidelines, 2015. Collection method: clinical testing. Allele origin: germline. Inheritance: Autosomal recessive inheritance. Affected: yes. Observed: 1 homozygote.
Comment: A Homozygote Splice site donor variant c.843+1G>C in Exon 7 of the CAPN1 gene that results in the amino acid substitution was identified. The observed variant has a minor allele frequency of 0.00001% in gnomAD exomes. The severity of the impact of this variant on the protein is high, based on the effect of the protein and REVEL score . Rare Exome Variant Ensemble Learner (REVEL) is an ensembl method for predicting the pathogenicity of missense variants based on a combination of scores from 13 individual tools: MutPred, FATHMM v2.3, VEST 3.0, PolyPhen-2, SIFT, PROVEAN, MutationAssessor, MutationTaster, LRT, GERP++, SiPhy, phyloP, and phastCons. The REVEL score for an individual missense variant can range from 0 to 1, with higher scores reflecting greater likelihood that the variant is disease-causing. ClinVar has also classified this variant as Pathogenic(Variant ID 1338393). Based on the above evidence this variant has been classified as Pathogenic according to the ACMG guidelines.

NM_005186.4(CAPN1):c.843+1G>C

Gene: CAPN1 (calpain 1; plus strand). Cytogenetic location: 11q13.1.
Variant type: single nucleotide variant.
Coding change: c.843+1G>C on transcript NM_005186.4 (MANE Select); the canonical splice donor site of the intron after coding-DNA position 843, G replaced by C.
Molecular consequence: splice donor variant.
Genome position (GRCh38, 1-based): chr11:65,187,299, G>C. VCF-style: chr11-65187299-G-C. GRCh37 (hg19) VCF-style: chr11-64954770-G-C.
Other names: c.843+1G>C (NM_001198868.2, NM_001198869.2).
Identifiers: ClinVar variation 1338393 (VCV001338393.6), dbSNP rs781683198, ClinGen allele CA6093199.